The following is an entry in ClinVar:

ClinVar aggregate classification (germline): Uncertain significance. Review status: criteria provided, multiple submitters, no conflicts (2 of 4 stars). 3 submissions from 3 submitters: Uncertain significance (3). Last evaluated 2025-09-02.

Conditions:
Neurofibromatosis, type 1 (NF1). Also called: NEUROFIBROMATOSIS, TYPE I, SOMATIC; Peripheral type neurofibromatosis; Neurofibromatosis, type I; VON RECKLINGHAUSEN DISEASE. Identifiers: Orphanet 636, MedGen C0027831, MONDO:0018975, OMIM 162200. Disease mechanism: loss of function.
Hereditary cancer-predisposing syndrome. Also called: Neoplastic Syndromes, Hereditary; Hereditary Cancer Syndrome; Tumor predisposition; Hereditary neoplastic syndrome. Identifiers: Orphanet 140162, MedGen C0027672, MeSH D009386, MONDO:0015356.
Cardiovascular phenotype. Identifiers: MedGen CN230736.

Allele frequency attached by ClinVar (database versions not stated): TOPMed below 0.00001.

Submissions (3):

Labcorp Genetics (formerly Invitae), Labcorp
Classification: Uncertain significance for Neurofibromatosis, type 1. Last evaluated: 2025-09-02. Review status: criteria provided, single submitter. Criteria: Invitae Variant Classification Sherloc (09022015). Collection method: clinical testing. Allele origin: germline.
Comment: This sequence change replaces valine, which is neutral and non-polar, with leucine, which is neutral and non-polar, at codon 2268 of the NF1 protein (p.Val2268Leu). This variant is not present in population databases (gnomAD no frequency). This variant has not been reported in the literature in individuals affected with NF1-related conditions. ClinVar contains an entry for this variant (Variation ID: 1320431). Invitae Evidence Modeling of protein sequence and biophysical properties (such as structural, functional, and spatial information, amino acid conservation, physicochemical variation, residue mobility, and thermodynamic stability) indicates that this missense variant is not expected to disrupt NF1 protein function with a negative predictive value of 95%. In summary, the available evidence is currently insufficient to determine the role of this variant in disease. Therefore, it has been classified as a Variant of Uncertain Significance.

Ambry Genetics
Classification: Uncertain significance for Cardiovascular phenotype; Hereditary cancer-predisposing syndrome. Last evaluated: 2025-05-18. Review status: criteria provided, single submitter. Criteria: Ambry Variant Classification Scheme 2023. Collection method: clinical testing. Allele origin: germline.
Comment: The p.V2268L variant (also known as c.6802G>C), located in coding exon 45 of the NF1 gene, results from a G to C substitution at nucleotide position 6802. The valine at codon 2268 is replaced by leucine, an amino acid with highly similar properties. This amino acid position is conserved. In addition, the in silico prediction for this alteration is inconclusive. Based on the available evidence, the clinical significance of this variant remains unclear.

GeneDx
Classification: Uncertain significance. Last evaluated: 2020-07-28. Review status: criteria provided, single submitter. Criteria: GeneDx Variant Classification Process June 2021. Collection method: clinical testing. Allele origin: germline. Affected: yes.
Comment: Not observed in large population cohorts (Lek et al., 2016); In silico analysis supports that this missense variant does not alter protein structure/function; Has not been previously published as pathogenic or benign to our knowledge

NM_001042492.3(NF1):c.6865G>C (p.Val2289Leu)

Gene: NF1 (neurofibromin 1; plus strand). Cytogenetic location: 17q11.2.
Variant type: single nucleotide variant.
Coding change: c.6865G>C on transcript NM_001042492.3 (MANE Select); coding-DNA position 6865, G replaced by C.
Protein change: p.Val2289Leu; replaces valine 2289 with leucine.
Molecular consequence: missense variant.
Genome position (GRCh38, 1-based): chr17:31,338,749, G>C. VCF-style: chr17-31338749-G-C. GRCh37 (hg19) VCF-style: chr17-29665767-G-C.
Other names: c.6802G>C, p.Val2268Leu (NM_000267.4); short protein forms V2268L, V2289L.
Identifiers: ClinVar variation 1320431 (VCV001320431.7), dbSNP rs943381724, ClinGen allele CA289388377.